The following is an entry in ClinVar:

NM_001022.4(RPS19):c.407dup (p.Gln137fs)

Genes: RPS19 (ribosomal protein S19; plus strand), RPS19-CD79A (RPS19-CD79A readthrough; plus strand). Cytogenetic location: 19q13.2.
Variant type: Duplication.
Coding change: c.407dup on transcript NM_001022.4 (MANE Select); coding-DNA position 407, one base duplicated (G; older notation c.407dupG).
Protein change: p.Gln137fs; shifts the reading frame from glutamine 137.
Molecular consequence: frameshift variant.
Genome position (GRCh38, 1-based): chr19:41,869,749, G duplicated; the last of 2 consecutive G bases (chr19:41,869,748-41,869,749); duplicating either gives the same sequence. VCF-style (leftmost placement, unchanged base first): chr19-41869747-C-CG. GRCh37 (hg19) VCF-style: chr19-42373817-C-CG.
Other names: c.407dup, p.Gln137fs (NM_001321483.2, NM_001321484.2); c.420dup, p.Thr141fs (NM_001321485.2); short protein forms T141fs, Q137fs.
Identifiers: ClinVar variation 3677180 (VCV003677180.2).

ClinVar aggregate classification (germline): Pathogenic (1 of 4 stars; one submission).

Conditions:
Diamond-Blackfan anemia. Also called: Blackfan Diamond syndrome; Aregenerative anemia chronic congenital; Red cell aplasia, pure hereditary; Congenital hypoplastic anemia; Aase syndrome. Identifiers: Orphanet 124, MedGen C1260899, MeSH D029503, MONDO:0015253, HP:0004810.

Submission:

Labcorp Genetics (formerly Invitae), Labcorp
Classification: Pathogenic for Diamond-Blackfan anemia. Last evaluated: 2024-11-16. Review status: criteria provided, single submitter. Criteria: Invitae Variant Classification Sherloc (09022015). Collection method: clinical testing. Allele origin: germline.
Comment: This sequence change results in a frameshift in the RPS19 gene (p.Gln137Thrfs*17). While this is not anticipated to result in nonsense mediated decay, it is expected to disrupt the last 9 amino acid(s) of the RPS19 protein and extend the protein by 7 additional amino acid residues. This variant is not present in population databases (gnomAD no frequency). This frameshift has been observed in individual(s) with clinical features of Diamond-Blackfan anemia (internal data). In at least one individual the variant was observed to be de novo. For these reasons, this variant has been classified as Pathogenic.